The following is an entry in ClinVar:

ClinVar aggregate classification (germline): Uncertain significance (1 of 4 stars; one submission).

gnomAD v4.1: 7 of 1,605,666 alleles (0.00044%); highest among the groups gnomAD compares: Admixed American, 0.0017%; no homozygotes.

Submission:

Labcorp Genetics (formerly Invitae), Labcorp
Classification: Uncertain significance. Last evaluated: 2025-05-08. Review status: criteria provided, single submitter. Criteria: Invitae Variant Classification Sherloc (09022015). Collection method: clinical testing. Allele origin: germline.
Comment: This sequence change replaces arginine, which is basic and polar, with cysteine, which is neutral and slightly polar, at codon 306 of the ERBB4 protein (p.Arg306Cys). This variant is present in population databases (no rsID available, gnomAD 0.003%). This variant has not been reported in the literature in individuals affected with ERBB4-related conditions. Invitae Evidence Modeling of protein sequence and biophysical properties (such as structural, functional, and spatial information, amino acid conservation, physicochemical variation, residue mobility, and thermodynamic stability) has been performed for this missense variant. However, the output from this modeling did not meet the statistical confidence thresholds required to predict the impact of this variant on ERBB4 protein function. In summary, the available evidence is currently insufficient to determine the role of this variant in disease. Therefore, it has been classified as a Variant of Uncertain Significance.

NM_005235.3(ERBB4):c.916C>T (p.Arg306Cys)

Gene: ERBB4 (erb-b2 receptor tyrosine kinase 4; minus strand). Cytogenetic location: 2q34.
Variant type: single nucleotide variant.
Coding change: c.916C>T on transcript NM_005235.3 (MANE Select); coding-DNA position 916, C replaced by T.
Protein change: p.Arg306Cys; replaces arginine 306 with cysteine.
Molecular consequence: missense variant.
Genome position (GRCh38, 1-based): chr2:211,713,616, G>A on the plus strand (C>T on the coding strand, the complement: ERBB4 is on the minus strand). VCF-style: chr2-211713616-G-A. GRCh37 (hg19) VCF-style: chr2-212578341-G-A.
Other names: c.916C>T, p.Arg306Cys (NM_001042599.2, NM_001439005.1, NM_001439006.1); short protein forms R306C.
Identifiers: ClinVar variation 4761064 (VCV004761064.1).